The following is an entry in ClinVar:

ClinVar aggregate classification (germline): Pathogenic/Likely pathogenic. Review status: criteria provided, multiple submitters, no conflicts (2 of 4 stars). 5 submissions from 5 submitters: Pathogenic (1); Likely pathogenic (2). 2 of the submissions do not count toward it. Last evaluated 2026-01-12.

Conditions:
Epidermolysis bullosa dystrophica. Also called: Dystrophic epidermolysis bullosa, Hallopeau-Siemens type (formerly); Dystrophic epidermolysis bullosa. Identifiers: Orphanet 303, MedGen C0079294, MONDO:0006543.
Recessive dystrophic epidermolysis bullosa (RDEB). Also called: DYSTROPHIC EPIDERMOLYSIS BULLOSA, AUTOSOMAL RECESSIVE; EPIDERMOLYSIS BULLOSA DYSTROPHICA, HALLOPEAU-SIEMENS TYPE; EPIDERMOLYSIS BULLOSA DYSTROPHICA, GENERALIZED SEVERE, AUTOSOMAL RECESSIVE; Hallopeau-Siemens Disease; Epidermolysis Bullosa Distrophica Autosomal Recessive (RDEB); epidermolysis bullosa dystrophica, autosomal recessive. Identifiers: Orphanet 79408, Orphanet 79409, MedGen C0079474, MONDO:0009179, OMIM 226600.
COL7A1-related disorder. Also called: COL7A1-related condition; COL7A1- related disorders.

Submissions (5):

Labcorp Genetics (formerly Invitae), Labcorp
Classification: Likely pathogenic. Last evaluated: 2026-01-12. Review status: criteria provided, single submitter. Criteria: Invitae Variant Classification Sherloc (09022015). Collection method: clinical testing. Allele origin: germline.
Comment: This sequence change replaces glycine, which is neutral and non-polar, with glutamic acid, which is acidic and polar, at codon 2749 of the COL7A1 protein (p.Gly2749Glu). This variant is not present in population databases (gnomAD no frequency). This missense change has been observed in individual(s) with COL7A1-related conditions (PMID: 37556444). ClinVar contains an entry for this variant (Variation ID: 1339157). Invitae Evidence Modeling of protein sequence and biophysical properties (such as structural, functional, and spatial information, amino acid conservation, physicochemical variation, residue mobility, and thermodynamic stability) indicates that this missense variant is expected to disrupt COL7A1 protein function with a positive predictive value of 95%. This variant disrupts the p.Gly2749 amino acid residue in COL7A1. Other variant(s) that disrupt this residue have been determined to be pathogenic (PMID: 8644729, 18450758, 29334134, 29473190). This suggests that this residue is clinically significant, and that variants that disrupt this residue are likely to be disease-causing. In summary, the currently available evidence indicates that the variant is pathogenic, but additional data are needed to prove that conclusively. Therefore, this variant has been classified as Likely Pathogenic.

Women's Health and Genetics/Laboratory Corporation of America, LabCorp
Classification: Pathogenic for Dystrophic Epidermolysis Bullosa, Recessive. Last evaluated: 2025-03-25. Review status: criteria provided, single submitter. Criteria: LabCorp Variant Classification Summary - May 2015. Collection method: clinical testing. Allele origin: germline.
Comment: Variant summary: COL7A1 c.8246G>A (p.Gly2749Glu) results in a non-conservative amino acid change located in the Fibronectin type-III domain (IPR003961) of the encoded protein sequence. Five of five in-silico tools predict a damaging effect of the variant on protein function. The variant was absent in 250556 control chromosomes. c.8246G>A has been reported in the literature in multiple individuals affected with Dystrophic Epidermolysis Bullosa, Recessive (example, Gupta_ 2023). These data indicate that the variant is very likely to be associated with disease. To our knowledge, no experimental evidence demonstrating an impact on protein function has been reported. The following publication has been ascertained in the context of this evaluation (PMID: 37556444). ClinVar contains an entry for this variant (Variation ID: 1339157). Based on the evidence outlined above, the variant was classified as pathogenic.

Natera, Inc.
Classification: Likely pathogenic for Dystrophic epidermolysis bullosa. Last evaluated: 2024-08-25. Review status: criteria provided, single submitter. Criteria: Natera Variant Classification Schema (03/2026). Collection method: clinical testing. Allele origin: germline.
Comment: The c.8246G>A variant in COL7A1 is a missense variant predicted to cause substitution of glycine to glutamic acid at amino acid 2749. This variant is rare in the general population with a frequency below the threshold expected for the associated phenotype(s). This variant has been observed in one or more individuals affected with the associated recessive disease, as either homozygous or compound heterozygous with a second variant (PMID: 37556444). A different variant at the same position has been determined to be Pathogenic or Likely Pathogenic. Computational prediction algorithms indicate this variant is likely to affect gene or protein function. Given the available evidence, this variant is classified as Likely Pathogenic.

PreventionGenetics, part of Exact Sciences
Classification: Pathogenic for COL7A1-related condition. Last evaluated: 2024-01-04. Review status: no assertion criteria provided. Collection method: clinical testing. Allele origin: germline. Not counted in ClinVar's aggregate classification.
Comment: The COL7A1 c.8246G>A variant is predicted to result in the amino acid substitution p.Gly2749Glu. This variant was reported in the homozygous state in 3 individuals with autosomal recessive dystrophic epidermolysis bullosa (Gupta et al. 2023. PubMed ID: 37556444). This variant has not been reported in a large population database, indicating this variant is rare. The amino acid residue p.Gly2749Glu is within the triple helical domain of the COL7A1 protein (amino acids 1254-2783); and glycine substitution within this domain affect the folding and secretion of type VII collagen. Pathogenic variants altering glycine residues have been reported in individuals with COL7A1-related disorders (Dang et al. 2008, PubMed ID: 18558993; Abu Sa'd et al. 2006. PubMed ID: 16439963; Almaani et al. 2011. PubMed ID: 21448560; Vahidnezhad et al. 2017. PubMed ID: 27899325). An alternate nucleotide change affecting the same amino acid (c.8245G>A; p.Gly2749Arg), has been reported in patients diagnosed with dystrophic epidermolysis bullosa (Gupta et al. 2023. PubMed ID: 37556444; Saeidian et al. 2018. PubMed ID: 29473190; Lucky et al. 2018. PubMed ID: 29334134). In summary, we interpret this variant as pathogenic.

Neuberg Centre For Genomic Medicine, NCGM
Classification: Uncertain significance for Recessive dystrophic epidermolysis bullosa. Review status: flagged submission. Criteria: ACMG Guidelines, 2015. Collection method: clinical testing. Allele origin: germline. Affected: yes. Not counted in ClinVar's aggregate classification.
Comment: The missense variant p.G2749E in COL7A1 (NM_000094.3) has not been reported previously as a pathogenic variant nor as a benign variant, to our knowledge. The p.G2749E variant is novel (not in any individuals) in gnomAD Exomes and is novel (not in any individuals) in 1000 Genomes. However, a pathogenic homozygous 8245G-A (p.G2749R) variant was reported at same codon in the COL7A1 gene in patients with autosomal recessive Epidermolysis Bullosa Dystrophica (Christiano et al, 1996). There is a moderate physicochemical difference between glycine and glutamic acid. The gene COL7A1 contains 58 pathogenic missense variants, indicating that missense variants are a common mechanism of disease in this gene. The p.G2749E missense variant is predicted to be damaging by both SIFT and PolyPhen2. The glycine residue at codon 2749 of COL7A1 is conserved in all mammalian species. The nucleotide c.8246 in COL7A1 is predicted conserved by GERP++ and PhyloP across 100 vertebrates. For these reasons, this variant has been classified as Uncertain Significance.
ClinVar note: Reason: Claim with insufficient supporting evidence

Literature cited by the submitters: PubMed 37556444 (cited by 3 submitters); PubMed 8644729 (cited by Labcorp Genetics (formerly Invitae), Labcorp); PubMed 18450758 (cited by Labcorp Genetics (formerly Invitae), Labcorp); PubMed 29334134 (cited by Labcorp Genetics (formerly Invitae), Labcorp); PubMed 29473190 (cited by Labcorp Genetics (formerly Invitae), Labcorp).

NM_000094.4(COL7A1):c.8246G>A (p.Gly2749Glu)

Gene: COL7A1 (collagen type VII alpha 1 chain; minus strand). Cytogenetic location: 3p21.31.
Variant type: single nucleotide variant.
Coding change: c.8246G>A on transcript NM_000094.4 (MANE Select); coding-DNA position 8246, G replaced by A.
Protein change: p.Gly2749Glu; replaces glycine 2749 with glutamic acid.
Molecular consequence: missense variant.
Genome position (GRCh38, 1-based): chr3:48,566,718, C>T on the plus strand (G>A on the coding strand, the complement: COL7A1 is on the minus strand). VCF-style: chr3-48566718-C-T. GRCh37 (hg19) VCF-style: chr3-48604151-C-T.
Other names: c.8246G>A (NM_000094.3); short protein forms G2749E.
Identifiers: ClinVar variation 1339157 (VCV001339157.9), dbSNP rs2107631988, ClinGen allele CA352638956.